The following is an entry in ClinVar:

NM_005228.5(EGFR):c.731G>T (p.Arg244Leu)

Gene: EGFR (epidermal growth factor receptor; plus strand). Cytogenetic location: 7p11.2.
Variant type: single nucleotide variant.
Coding change: c.731G>T on transcript NM_005228.5 (MANE Select); coding-DNA position 731, G replaced by T.
Protein change: p.Arg244Leu; replaces arginine 244 with leucine.
Molecular consequence: missense variant. On other transcripts: intron variant (1).
Genome position (GRCh38, 1-based): chr7:55,152,648, G>T. VCF-style: chr7-55152648-G-T. GRCh37 (hg19) VCF-style: chr7-55220341-G-T.
Other names: c.596G>T, p.Arg199Leu (NM_001346897.2, NM_001346899.2); c.731G>T, p.Arg244Leu (NM_001346898.2, NM_201282.2, NM_201283.2 and 1 more transcripts); c.572G>T, p.Arg191Leu (NM_001346900.2); c.89-3182G>T (NM_001346941.2); short protein forms R191L, R244L, R199L.
Identifiers: ClinVar variation 1516921 (VCV001516921.8), dbSNP rs200664836, ClinGen allele CA367577538.

ClinVar aggregate classification (germline): Uncertain significance (1 of 4 stars; one submission).

Conditions:
EGFR-related lung cancer (EGFR). Identifiers: MedGen CN130014.

Submission:

Labcorp Genetics (formerly Invitae), Labcorp
Classification: Uncertain significance for EGFR-related lung cancer. Last evaluated: 2022-09-07. Review status: criteria provided, single submitter. Criteria: Invitae Variant Classification Sherloc (09022015). Collection method: clinical testing. Allele origin: germline.
Comment: Algorithms developed to predict the effect of missense changes on protein structure and function are either unavailable or do not agree on the potential impact of this missense change (SIFT: "Tolerated"; PolyPhen-2: "Probably Damaging"; Align-GVGD: "Class C0"). This sequence change replaces arginine, which is basic and polar, with leucine, which is neutral and non-polar, at codon 244 of the EGFR protein (p.Arg244Leu). This variant is not present in population databases (gnomAD no frequency). This variant has not been reported in the literature in individuals affected with EGFR-related conditions. ClinVar contains an entry for this variant (Variation ID: 1516921). In summary, the available evidence is currently insufficient to determine the role of this variant in disease. Therefore, it has been classified as a Variant of Uncertain Significance.